The following is an entry in ClinVar:

ClinVar aggregate classification (germline): Benign/Likely benign. Review status: criteria provided, multiple submitters, no conflicts (2 of 4 stars). 5 submissions from 5 submitters: Benign (1); Likely benign (4). Last evaluated 2026-01-28.

Conditions:
Spastic paraplegia. Identifiers: MedGen C0037772, HP:0001258.
Hereditary spastic paraplegia. Also called: Familial spastic paraparesis. Identifiers: Orphanet 685, MedGen C0037773, MONDO:0019064. Disease mechanism: loss of function.

Submissions (5):

Labcorp Genetics (formerly Invitae), Labcorp
Classification: Benign for Spastic paraplegia. Last evaluated: 2026-01-28. Review status: criteria provided, single submitter. Criteria: Invitae Variant Classification Sherloc (09022015). Collection method: clinical testing. Allele origin: germline.

Blueprint Genetics
Classification: Likely benign. Last evaluated: 2024-11-22. Review status: criteria provided, single submitter. Criteria: ACMG Guidelines, 2015. Collection method: clinical testing. Allele origin: germline.

Genome Diagnostics Laboratory, The Hospital for Sick Children
Classification: Likely benign for Hereditary spastic paraplegia. Last evaluated: 2020-08-20. Review status: criteria provided, single submitter. Criteria: ACMG Guidelines, 2015. Collection method: clinical testing. Allele origin: germline. Affected: yes.

GeneDx
Classification: Likely benign. Last evaluated: 2018-02-06. Review status: criteria provided, single submitter. Criteria: GeneDx Variant Classification (06012015). Collection method: clinical testing. Allele origin: germline. Affected: yes.
Comment: This variant is considered likely benign or benign based on one or more of the following criteria: it is a conservative change, it occurs at a poorly conserved position in the protein, it is predicted to be benign by multiple in silico algorithms, and/or has population frequency not consistent with disease.

Genetic Services Laboratory, University of Chicago
Classification: Likely benign. Last evaluated: 2014-05-08. Review status: criteria provided, single submitter. Criteria: ACMG Guidelines, 2015. Collection method: clinical testing. Allele origin: germline.

NM_001128126.3(AP4S1):c.306+4182dup

Gene: AP4S1 (adaptor related protein complex 4 subunit sigma 1; plus strand). Cytogenetic location: 14q12.
Variant type: Duplication.
Coding change: c.306+4182dup on transcript NM_001128126.3 (MANE Select); 4182 bases into the intron after coding-DNA position 306, one base duplicated (T; older notation c.306+4182dupT).
Molecular consequence: intron variant.
Genome position (GRCh38, 1-based): chr14:31,084,766, T duplicated; the last of 8 consecutive T bases (chr14:31,084,759-31,084,766); duplicating any one gives the same sequence. VCF-style (leftmost placement, unchanged base first): chr14-31084758-G-GT. GRCh37 (hg19) VCF-style: chr14-31553964-G-GT.
Other names: c.306+4182dup (NM_001254729.2, NM_001254728.2); c.*39-3dup (NM_001254727.2); c.367-3dup (NM_007077.5); c.295-3dup (NM_001254726.2); c.367-3dupT (NM_007077.4).
Identifiers: ClinVar variation 210220 (VCV000210220.17), dbSNP rs766477779, ClinGen allele CA208248.